The following is an entry in ClinVar:

ClinVar aggregate classification (germline): Uncertain significance (1 of 4 stars; one submission).

Allele frequency attached by ClinVar (database versions not stated): gnomAD exomes 0.00002; ExAC 0.00001; TOPMed 0.00002.
gnomAD v4.1: 30 of 1,210,133 alleles (0.0025%); highest among the groups gnomAD compares: Middle Eastern, 0.023%; no homozygotes.

Submission:

GeneDx
Classification: Uncertain significance. Last evaluated: 2015-10-03. Review status: criteria provided, single submitter. Criteria: GeneDx Variant Classification (06012015). Collection method: clinical testing. Allele origin: germline. Affected: yes.
Comment: The S189F variant in the AFF2 gene has not been published as a pathogenic variant, nor has it been reported as a benign polymorphism to our knowledge. The S189F variant was not observed in approximately 6500 individuals of European and African American ancestry in the NHLBI Exome Sequencing Project, indicating it is not a common benign variant in these populations. The S189F variant is a non-conservative amino acid substitution, which is likely to impact secondary protein structure as these residues differ in polarity, charge, size and/or other properties. However, this substitution occurs at a position that is not conserved, and in silico analysis is inconsistent in its predictions as to whether or not the variant is damaging to the protein structure/function. Therefore, we interpret S189F as a variant of uncertain significance.

NM_002025.4(AFF2):c.566C>T (p.Ser189Phe)

Gene: AFF2 (AF4/FMR2 family member 2; plus strand). Cytogenetic location: Xq28.
Variant type: single nucleotide variant.
Coding change: c.566C>T on transcript NM_002025.4 (MANE Select); coding-DNA position 566, C replaced by T.
Protein change: p.Ser189Phe; replaces serine 189 with phenylalanine.
Molecular consequence: missense variant.
Genome position (GRCh38, 1-based): chrX:148,662,293, C>T. VCF-style: chrX-148662293-C-T. GRCh37 (hg19) VCF-style: chrX-147743814-C-T.
Other names: c.554C>T, p.Ser185Phe (NM_001169122.2, NM_001169123.2, NM_001169125.2); c.566C>T, p.Ser189Phe (NM_001169124.2); short protein forms S189F, S185F.
Identifiers: ClinVar variation 380611 (VCV000380611.2), dbSNP rs782397628, ClinGen allele CA10536825.